The following is an entry in ClinVar:

NM_015102.5(NPHP4):c.806A>C (p.Gln269Pro)

Gene: NPHP4 (nephrocystin 4; minus strand). Cytogenetic location: 1p36.31.
Variant type: single nucleotide variant.
Coding change: c.806A>C on transcript NM_015102.5 (MANE Select); coding-DNA position 806, A replaced by C.
Protein change: p.Gln269Pro; replaces glutamine 269 with proline.
Molecular consequence: missense variant. On other transcripts: 5 prime UTR variant (1), non-coding transcript variant (1), intron variant (1).
Genome position (GRCh38, 1-based): chr1:5,952,704, T>G on the plus strand (A>C on the coding strand, the complement: NPHP4 is on the minus strand). VCF-style: chr1-5952704-T-G. GRCh37 (hg19) VCF-style: chr1-6012764-T-G.
Other names: c.-561A>C (NM_001291594.2); c.-556-4453A>C (NM_001291593.2); c.806A>C (NM_015102.4, NM_015102.3); short protein forms Q269P.
Identifiers: ClinVar variation 1444198 (VCV001444198.10), dbSNP rs1182919955, ClinGen allele CA338066561.

ClinVar aggregate classification (germline): Uncertain significance. Review status: criteria provided, multiple submitters, no conflicts (2 of 4 stars). 3 submissions from 3 submitters: Uncertain significance (3). Last evaluated 2025-11-18.

Conditions:
Senior-Loken syndrome 4 (SLSN4). Identifiers: Orphanet 3156, MedGen C1846979, MONDO:0011756, OMIM 606996.
Ciliopathy. Also called: Ciliopathies. Identifiers: Orphanet 363250, MedGen C4277690, MONDO:0005308, MeSH D000072661.
Nephronophthisis. Also called: Juvenile Nephronophthisis. Identifiers: Orphanet 655, MedGen C0687120, MONDO:0019005, HP:0000090.
Inborn genetic diseases. Identifiers: MedGen C0950123, MeSH D030342.
Nephronophthisis 4 (NPHP4). Also called: NEPHRONOPHTHISIS 4, JUVENILE. Identifiers: Orphanet 655, MedGen C1847013, MONDO:0011752, OMIM 606966.

Allele frequency attached by ClinVar (database versions not stated): gnomAD exomes 0.00003 and 0.00001; TOPMed below 0.00001; gnomAD 0.00001.
gnomAD v4.1: 20 of 1,501,502 alleles (0.0013%); highest among the groups gnomAD compares: Non-Finnish European, 0.0018%; no homozygotes.

Submissions (3):

Labcorp Genetics (formerly Invitae), Labcorp
Classification: Uncertain significance for Nephronophthisis. Last evaluated: 2025-11-18. Review status: criteria provided, single submitter. Criteria: Invitae Variant Classification Sherloc (09022015). Collection method: clinical testing. Allele origin: germline.
Comment: This sequence change replaces glutamine, which is neutral and polar, with proline, which is neutral and non-polar, at codon 269 of the NPHP4 protein (p.Gln269Pro). The frequency data for this variant in the population databases is considered unreliable, as metrics indicate poor data quality at this position in the gnomAD database. This variant has not been reported in the literature in individuals affected with NPHP4-related conditions. ClinVar contains an entry for this variant (Variation ID: 1444198). Invitae Evidence Modeling of protein sequence and biophysical properties (such as structural, functional, and spatial information, amino acid conservation, physicochemical variation, residue mobility, and thermodynamic stability) indicates that this missense variant is not expected to disrupt NPHP4 protein function with a negative predictive value of 80%. In summary, the available evidence is currently insufficient to determine the role of this variant in disease. Therefore, it has been classified as a Variant of Uncertain Significance.

Fulgent Genetics
Classification: Uncertain significance for Nephronophthisis 4; Senior-Loken syndrome 4. Last evaluated: 2024-06-11. Review status: criteria provided, single submitter. Criteria: ACMG Guidelines, 2015. Collection method: clinical testing. Allele origin: germline.

Ambry Genetics
Classification: Uncertain significance for Inborn genetic diseases. Last evaluated: 2022-05-25. Review status: criteria provided, single submitter. Criteria: Ambry Variant Classification Scheme 2023. Collection method: clinical testing. Allele origin: germline.